The following is an entry in ClinVar:

NM_174916.3(UBR1):c.1033G>A (p.Asp345Asn)

Gene: UBR1 (ubiquitin protein ligase E3 component n-recognin 1; minus strand). Cytogenetic location: 15q15.2.
Variant type: single nucleotide variant.
Coding change: c.1033G>A on transcript NM_174916.3 (MANE Select); coding-DNA position 1033, G replaced by A.
Protein change: p.Asp345Asn; replaces aspartic acid 345 with asparagine.
Molecular consequence: missense variant.
Genome position (GRCh38, 1-based): chr15:43,059,145, C>T on the plus strand (G>A on the coding strand, the complement: UBR1 is on the minus strand). VCF-style: chr15-43059145-C-T. GRCh37 (hg19) VCF-style: chr15-43351343-C-T.
Other names: short protein forms D345N.
Identifiers: ClinVar variation 1714025 (VCV001714025.3), dbSNP rs747551403, ClinGen allele CA7518844.

ClinVar aggregate classification (germline): Uncertain significance (1 of 4 stars; one submission).

Allele frequency attached by ClinVar (database versions not stated): gnomAD exomes below 0.00001; TOPMed below 0.00001; ExAC 0.00002.
gnomAD v4.1: 2 of 1,614,128 alleles (0.00012%); highest among the groups gnomAD compares: East Asian, 0.0045%; no homozygotes.

Submission:

Labcorp Genetics (formerly Invitae), Labcorp
Classification: Uncertain significance. Last evaluated: 2022-07-27. Review status: criteria provided, single submitter. Criteria: Invitae Variant Classification Sherloc (09022015). Collection method: clinical testing. Allele origin: germline.
Comment: This sequence change replaces aspartic acid, which is acidic and polar, with asparagine, which is neutral and polar, at codon 345 of the UBR1 protein (p.Asp345Asn). This variant is present in population databases (rs747551403, gnomAD 0.02%). This variant has not been reported in the literature in individuals affected with UBR1-related conditions. Algorithms developed to predict the effect of missense changes on protein structure and function (SIFT, PolyPhen-2, Align-GVGD) all suggest that this variant is likely to be tolerated. In summary, the available evidence is currently insufficient to determine the role of this variant in disease. Therefore, it has been classified as a Variant of Uncertain Significance.